The following is an entry in ClinVar:

NM_001363711.2(DUOX2):c.2901C>T (p.Ile967=)

Gene: DUOX2 (dual oxidase 2; minus strand). Cytogenetic location: 15q21.1.
Variant type: single nucleotide variant.
Coding change: c.2901C>T on transcript NM_001363711.2 (MANE Select); coding-DNA position 2901, C replaced by T.
Protein change: p.Ile967=; no amino-acid change (isoleucine 967 retained).
Molecular consequence: synonymous variant.
Genome position (GRCh38, 1-based): chr15:45,101,225, G>A on the plus strand (C>T on the coding strand, the complement: DUOX2 is on the minus strand). VCF-style: chr15-45101225-G-A. GRCh37 (hg19) VCF-style: chr15-45393423-G-A.
Other names: c.2901C>T, p.Ile967= (NM_014080.5).
Identifiers: ClinVar variation 2772700 (VCV002772700.3), dbSNP rs1430534646, ClinGen allele CA490217713.

ClinVar aggregate classification (germline): Uncertain significance (1 of 4 stars; one submission).

Allele frequency attached by ClinVar (database versions not stated): gnomAD exomes below 0.00001.
gnomAD v4.1: 3 of 1,613,796 alleles (0.00019%); highest among the groups gnomAD compares: Non-Finnish European, 0.00025%; no homozygotes.

Submission:

Labcorp Genetics (formerly Invitae), Labcorp
Classification: Uncertain significance. Last evaluated: 2023-10-29. Review status: criteria provided, single submitter. Criteria: Invitae Variant Classification Sherloc (09022015). Collection method: clinical testing. Allele origin: germline.
Comment: This sequence change affects codon 967 of the DUOX2 mRNA. It is a 'silent' change, meaning that it does not change the encoded amino acid sequence of the DUOX2 protein. This variant is not present in population databases (gnomAD no frequency). This variant has not been reported in the literature in individuals affected with DUOX2-related conditions. Algorithms developed to predict the effect of sequence changes on RNA splicing suggest that this variant may disrupt the consensus splice site. In summary, the available evidence is currently insufficient to determine the role of this variant in disease. Therefore, it has been classified as a Variant of Uncertain Significance.